The following is an entry in ClinVar:

ClinVar aggregate classification (germline): Pathogenic. Review status: criteria provided, multiple submitters, no conflicts (2 of 4 stars). 6 submissions from 6 submitters: Pathogenic (6). Last evaluated 2025-07-06.

Conditions:
COL7A1-related disorder. Also called: COL7A1-related condition; COL7A1- related disorders.
Recessive dystrophic epidermolysis bullosa (RDEB). Also called: Hallopeau-Siemens Disease; EPIDERMOLYSIS BULLOSA DYSTROPHICA, GENERALIZED SEVERE, AUTOSOMAL RECESSIVE; Epidermolysis Bullosa Distrophica Autosomal Recessive (RDEB); epidermolysis bullosa dystrophica, autosomal recessive; Recessive DEB (RDEB); DYSTROPHIC EPIDERMOLYSIS BULLOSA, AUTOSOMAL RECESSIVE. Identifiers: Orphanet 79408, Orphanet 79409, MedGen C0079474, MONDO:0009179, OMIM 226600.
Epidermolysis bullosa dystrophica. Also called: Dystrophic epidermolysis bullosa, Hallopeau-Siemens type (formerly); Dystrophic epidermolysis bullosa. Identifiers: Orphanet 303, MedGen C0079294, MONDO:0006543.

Allele frequency attached by ClinVar (database versions not stated): gnomAD exomes 0.00003 and 0.00004; ExAC 0.00005; TOPMed below 0.00001; gnomAD 0.00002.
gnomAD v4.1: 47 of 1,613,832 alleles (0.0029%); highest among the groups gnomAD compares: African/African-American, 0.0027%; no homozygotes.

Submissions (6):

Labcorp Genetics (formerly Invitae), Labcorp
Classification: Pathogenic. Last evaluated: 2025-07-06. Review status: criteria provided, single submitter. Criteria: Invitae Variant Classification Sherloc (09022015). Collection method: clinical testing. Allele origin: germline.
Comment: This sequence change creates a premature translational stop signal (p.Arg2338*) in the COL7A1 gene. It is expected to result in an absent or disrupted protein product. Loss-of-function variants in COL7A1 are known to be pathogenic (PMID: 16971478). This variant is present in population databases (rs745874032, gnomAD 0.008%). This premature translational stop signal has been observed in individual(s) with autosomal recessive epidermolysis bullosa (PMID: 10367729, 27899325). ClinVar contains an entry for this variant (Variation ID: 372347). For these reasons, this variant has been classified as Pathogenic.

PreventionGenetics, part of Exact Sciences
Classification: Pathogenic for COL7A1-related condition. Last evaluated: 2025-05-12. Review status: criteria provided, single submitter. Criteria: ACMG Guidelines, 2015. Collection method: clinical testing. Allele origin: germline.
Comment: The COL7A1 c.7012C>T variant is predicted to result in premature protein termination (p.Arg2338*). This variant has been reported, in the compound heterozygous or homozygous state, in individuals with epidermolysis bullosa (see, for examples, Table S1, Vahidnezhad et al. 2017. PubMed ID: 27899325; Table S5, Chen et al. 2023. PubMed ID: 36287101; Xu et al. 2022. PubMed ID: 35996499). This variant is reported in 0.0080% of alleles in individuals of European (Finnish) descent in gnomAD. Nonsense variants in COL7A1 are expected to be pathogenic. This variant is interpreted as pathogenic.

Natera, Inc.
Classification: Pathogenic for Dystrophic epidermolysis bullosa. Last evaluated: 2025-04-10. Review status: criteria provided, single submitter. Criteria: Natera Variant Classification Schema (03/2026). Collection method: clinical testing. Allele origin: germline.
Comment: The c.7012C>T variant in COL7A1 is a nonsense variant predicted to introduce a stop codon at amino acid 2338. This variant is expected to result in nonsense mediated decay, truncation, or a dysfunctional protein product. This variant is rare in the general population with a frequency below the threshold expected for the associated phenotype(s). This variant has been observed in one or more individuals affected with the associated recessive disease, as either homozygous or compound heterozygous with a second variant (PMID: 27899325, 36287101). Given the available evidence, this variant is classified as Pathogenic.

Myriad Genetics, Inc.
Classification: Pathogenic for Recessive dystrophic epidermolysis bullosa. Last evaluated: 2024-09-02. Review status: criteria provided, single submitter. Criteria: Myriad Autosomal Dominant, Autosomal Recessive and X-Linked Classification Criteria (2023). Collection method: clinical testing. Allele origin: unknown.
Comment: NM_000094.3(COL7A1):c.7012C>T(R2338*) is expected to be pathogenic in the context of dystrophic epidermolysis bullosa. This variant is predicted to lead to an abnormal or absent protein product due to the creation of a premature termination codon in COL7A1, a gene where loss-of-function variants are known to be pathogenic. Please note: this variant was assessed in the context of healthy population screening.

Blueprint Genetics
Classification: Pathogenic for COL7A1-related disorders. Last evaluated: 2024-03-13. Review status: criteria provided, single submitter. Criteria: ACMG Guidelines, 2015. Collection method: clinical testing. Allele origin: germline. Affected: yes. Observed: 3 variant alleles.

GeneDx
Classification: Pathogenic. Last evaluated: 2023-09-21. Review status: criteria provided, single submitter. Criteria: GeneDx Variant Classification Process June 2021. Collection method: clinical testing. Allele origin: germline. Affected: yes.
Comment: Nonsense variant predicted to result in protein truncation or nonsense mediated decay in a gene for which loss-of-function is a known mechanism of disease; This variant is associated with the following publications: (PMID: 10367729, 33682945, 35996499, 27899325, 36287101)

Literature cited by the submitters: PubMed 16971478 (cited by Labcorp Genetics (formerly Invitae), Labcorp); PubMed 10367729 (cited by Labcorp Genetics (formerly Invitae), Labcorp); PubMed 27899325 (cited by Labcorp Genetics (formerly Invitae), Labcorp and Natera, Inc.); PubMed 36287101 (cited by Natera, Inc.).

NM_000094.4(COL7A1):c.7012C>T (p.Arg2338Ter)

Gene: COL7A1 (collagen type VII alpha 1 chain; minus strand). Cytogenetic location: 3p21.31.
Variant type: single nucleotide variant.
Coding change: c.7012C>T on transcript NM_000094.4 (MANE Select); coding-DNA position 7012, C replaced by T.
Protein change: p.Arg2338Ter; replaces arginine 2338 with a stop codon.
Molecular consequence: nonsense.
Genome position (GRCh38, 1-based): chr3:48,572,138, G>A on the plus strand (C>T on the coding strand, the complement: COL7A1 is on the minus strand). VCF-style: chr3-48572138-G-A. GRCh37 (hg19) VCF-style: chr3-48609571-G-A.
Other names: short protein forms R2338*.
Identifiers: ClinVar variation 372347 (VCV000372347.18), dbSNP rs745874032, ClinGen allele CA2378725.